The following is an entry in ClinVar:

ClinVar aggregate classification (germline): Benign/Likely benign. Review status: criteria provided, multiple submitters, no conflicts (2 of 4 stars). 10 submissions from 10 submitters: Benign (9); Likely benign (1). Last evaluated 2026-02-04.

Conditions:
Thrombocytopenia 2 (THC2). Also called: ANKRD26-Related Thrombocytopenia. Identifiers: Orphanet 268322, MedGen C1861185, MONDO:0008555, OMIM 188000.

Allele frequency attached by ClinVar (database versions not stated): 1000 Genomes Project 0.04213; 1000 Genomes Project 30x 0.04232; TOPMed 0.05637; gnomAD 0.05646 and 0.05835.
gnomAD v4.1: 62,124 of 1,297,204 alleles (4.8%); highest among the groups gnomAD compares: African/African-American, 8.4%; 1,684 homozygotes.

Submissions (19):

Labcorp Genetics (formerly Invitae), Labcorp
Classification: Benign. Last evaluated: 2026-02-04. Review status: criteria provided, single submitter. Criteria: Invitae Variant Classification Sherloc (09022015). Collection method: clinical testing. Allele origin: germline.

Mayo Clinic Laboratories, Mayo Clinic
Classification: Benign. Last evaluated: 2025-09-16. Review status: criteria provided, single submitter. Criteria: ACMG Guidelines, 2015. Collection method: clinical testing. Allele origin: germline. Observed: 96 variant alleles.
Comment: BS1, BS2, BP4

ARUP Laboratories, Molecular Genetics and Genomics, ARUP Laboratories
Classification: Benign for Thrombocytopenia 2. Last evaluated: 2025-07-18. Review status: criteria provided, single submitter. Criteria: ARUP Molecular Germline Variant Investigation Process 2024. Collection method: clinical testing. Allele origin: germline.

Blueprint Genetics
Classification: Likely benign. Last evaluated: 2024-11-27. Review status: criteria provided, single submitter. Criteria: ACMG Guidelines, 2015. Collection method: clinical testing. Allele origin: germline.

Genome-Nilou Lab
Classification: Benign for Thrombocytopenia 2. Last evaluated: 2021-12-05. Review status: criteria provided, single submitter. Criteria: ACMG Guidelines, 2015. Collection method: clinical testing. Allele origin: germline. Affected: no.

Mendelics
Classification: Benign for Thrombocytopenia 2. Last evaluated: 2019-05-28. Review status: criteria provided, single submitter. Criteria: Mendelics Assertion Criteria 2017. Collection method: clinical testing. Allele origin: unknown.

GeneDx
Classification: Benign. Last evaluated: 2018-12-26. Review status: criteria provided, single submitter. Criteria: GeneDx Variant Classification Process June 2021. Collection method: clinical testing. Allele origin: germline. Affected: yes.
Comment: This variant is associated with the following publications: (PMID: 28277066, 29545013, 25902755)

Illumina Laboratory Services, Illumina
Classification: Benign for Thrombocytopenia 2. Last evaluated: 2018-01-12. Review status: criteria provided, single submitter. Criteria: ICSL Variant Classification Criteria 13 December 2019. Collection method: clinical testing. Allele origin: germline.
Comment: This variant was observed in the ICSL laboratory as part of a predisposition screen in an ostensibly healthy population. It had not been previously curated by ICSL or reported in the Human Gene Mutation Database (HGMD: prior to June 1st, 2018), and was therefore a candidate for classification through an automated scoring system. Utilizing variant allele frequency, disease prevalence and penetrance estimates, and inheritance mode, an automated score was calculated to assess if this variant is too frequent to cause the disease. Based on the score and internal cut-off values, a variant classified as benign is not then subjected to further curation. The score for this variant resulted in a classification of benign for this disease.

Breakthrough Genomics
Classification: Benign. Review status: criteria provided, single submitter. Criteria: ACMG Guidelines, 2015. Collection method: not provided. Allele origin: germline. Inheritance: Autosomal dominant inheritance. Affected: yes.

PreventionGenetics, part of Exact Sciences
Classification: Benign. Review status: criteria provided, single submitter. Criteria: ACMG Guidelines, 2015. Collection method: clinical testing. Allele origin: germline.

Dr. Peter K. Rogan Lab, Western University
No classification provided (evidence only). Condition: Melanoma. Review status: no classification provided. Collection method: in vitro. Allele origin: not applicable. Functional consequence: retained intron. Not counted in ClinVar's aggregate classification.

Dr. Peter K. Rogan Lab, Western University
No classification provided (evidence only). Condition: Acute myeloid leukemia. Review status: no classification provided. Collection method: in vitro. Allele origin: not applicable. Functional consequence: retained intron. Not counted in ClinVar's aggregate classification.

Dr. Peter K. Rogan Lab, Western University
No classification provided (evidence only). Condition: Acute myeloid leukemia. Review status: no classification provided. Collection method: in vitro. Allele origin: not applicable. Functional consequence: retained intron. Not counted in ClinVar's aggregate classification.

Dr. Peter K. Rogan Lab, Western University
No classification provided (evidence only). Condition: Uterine corpus endometrial carcinoma. Review status: no classification provided. Collection method: in vitro. Allele origin: not applicable. Functional consequence: retained intron. Not counted in ClinVar's aggregate classification.

Dr. Peter K. Rogan Lab, Western University
No classification provided (evidence only). Condition: Sarcoma. Review status: no classification provided. Collection method: in vitro. Allele origin: not applicable. Functional consequence: cryptic splice site. Not counted in ClinVar's aggregate classification.

Dr. Peter K. Rogan Lab, Western University
No classification provided (evidence only). Condition: Ovarian serous cystadenocarcinoma. Review status: no classification provided. Collection method: in vitro. Allele origin: not applicable. Functional consequence: retained intron. Not counted in ClinVar's aggregate classification.

Dr. Peter K. Rogan Lab, Western University
No classification provided (evidence only). Condition: Ovarian serous cystadenocarcinoma. Review status: no classification provided. Collection method: in vitro. Allele origin: not applicable. Functional consequence: retained intron. Not counted in ClinVar's aggregate classification.

Dr. Peter K. Rogan Lab, Western University
No classification provided (evidence only). Condition: Ovarian serous cystadenocarcinoma. Review status: no classification provided. Collection method: in vitro. Allele origin: not applicable. Functional consequence: retained intron. Not counted in ClinVar's aggregate classification.

Dr. Peter K. Rogan Lab, Western University
No classification provided (evidence only). Condition: Ovarian serous cystadenocarcinoma. Review status: no classification provided. Collection method: in vitro. Allele origin: not applicable. Functional consequence: retained intron. Not counted in ClinVar's aggregate classification.

NM_014915.3(ANKRD26):c.-140C>G

Gene: ANKRD26 (ankyrin repeat domain 26; minus strand). Cytogenetic location: 10p12.1.
Variant type: single nucleotide variant.
Coding change: c.-140C>G on transcript NM_014915.3 (MANE Select); 140 bases upstream of the start codon, C replaced by G.
Molecular consequence: 5 prime UTR variant.
Genome position (GRCh38, 1-based): chr10:27,100,466, G>C on the plus strand (C>G on the coding strand, the complement: ANKRD26 is on the minus strand). VCF-style: chr10-27100466-G-C. GRCh37 (hg19) VCF-style: chr10-27389395-G-C.
Other names: c.-140C>G (NM_001256053.2).
Identifiers: ClinVar variation 260453 (VCV000260453.26), dbSNP rs41299222, ClinGen allele CA10587082.